The following is an entry in ClinVar:

ClinVar aggregate classification (germline): Uncertain significance (1 of 4 stars; one submission).

Submission:

Labcorp Genetics (formerly Invitae), Labcorp
Classification: Uncertain significance. Last evaluated: 2024-02-24. Review status: criteria provided, single submitter. Criteria: Invitae Variant Classification Sherloc (09022015). Collection method: clinical testing. Allele origin: germline.
Comment: This sequence change replaces phenylalanine, which is neutral and non-polar, with leucine, which is neutral and non-polar, at codon 99 of the PDE6C protein (p.Phe99Leu). This variant is not present in population databases (gnomAD no frequency). This variant has not been reported in the literature in individuals affected with PDE6C-related conditions. ClinVar contains an entry for this variant (Variation ID: 2121953). Advanced modeling of protein sequence and biophysical properties (such as structural, functional, and spatial information, amino acid conservation, physicochemical variation, residue mobility, and thermodynamic stability) performed at Invitae indicates that this missense variant is not expected to disrupt PDE6C protein function with a negative predictive value of 80%. In summary, the available evidence is currently insufficient to determine the role of this variant in disease. Therefore, it has been classified as a Variant of Uncertain Significance.

NM_006204.4(PDE6C):c.295T>C (p.Phe99Leu)

Gene: PDE6C (phosphodiesterase 6C; plus strand). Cytogenetic location: 10q23.33.
Variant type: single nucleotide variant.
Coding change: c.295T>C on transcript NM_006204.4 (MANE Select); coding-DNA position 295, T replaced by C.
Protein change: p.Phe99Leu; replaces phenylalanine 99 with leucine.
Molecular consequence: missense variant.
Genome position (GRCh38, 1-based): chr10:93,613,020, T>C. VCF-style: chr10-93613020-T-C. GRCh37 (hg19) VCF-style: chr10-95372777-T-C.
Other names: short protein forms F99L.
Identifiers: ClinVar variation 2121953 (VCV002121953.4), dbSNP rs2492491583, ClinGen allele CA377622402.